The following is an entry in ClinVar:

NM_001134363.3(RBM20):c.820G>A (p.Gly274Ser)

Gene: RBM20 (RNA binding motif protein 20; plus strand). Cytogenetic location: 10q25.2.
Variant type: single nucleotide variant.
Coding change: c.820G>A on transcript NM_001134363.3 (MANE Select); coding-DNA position 820, G replaced by A.
Protein change: p.Gly274Ser; replaces glycine 274 with serine.
Molecular consequence: missense variant.
Genome position (GRCh38, 1-based): chr10:110,781,429, G>A. VCF-style: chr10-110781429-G-A. GRCh37 (hg19) VCF-style: chr10-112541187-G-A.
Other names: short protein forms G274S.
Identifiers: ClinVar variation 2449387 (VCV002449387.2), dbSNP rs1247046010, ClinGen allele CA378383573.

ClinVar aggregate classification (germline): Uncertain significance (1 of 4 stars; one submission).

Conditions:
Cardiovascular phenotype. Identifiers: MedGen CN230736.

Allele frequency attached by ClinVar (database versions not stated): TOPMed 0.00001.

Submission:

Ambry Genetics
Classification: Uncertain significance for Cardiovascular phenotype. Last evaluated: 2022-12-17. Review status: criteria provided, single submitter. Criteria: Ambry Variant Classification Scheme 2023. Collection method: clinical testing. Allele origin: germline.
Comment: The p.G274S variant (also known as c.820G>A), located in coding exon 2 of the RBM20 gene, results from a G to A substitution at nucleotide position 820. The glycine at codon 274 is replaced by serine, an amino acid with similar properties. This amino acid position is conserved. In addition, this alteration is predicted to be tolerated by in silico analysis. Since supporting evidence is limited at this time, the clinical significance of this alteration remains unclear.